The following is an entry in ClinVar:

ClinVar aggregate classification (germline): Benign/Likely benign. Review status: criteria provided, multiple submitters, no conflicts (2 of 4 stars). 4 submissions from 3 submitters: Benign (3); Likely benign (1). Last evaluated 2023-05-01.

Conditions:
Qualitative or quantitative defects of delta-sarcoglycan. Identifiers: Orphanet 207070, MedGen C5680806, MONDO:0016144.
Dilated cardiomyopathy 1L (CMD1L). Identifiers: Orphanet 154, MedGen C1847667, MONDO:0011702, OMIM 606685.
Autosomal recessive limb-girdle muscular dystrophy type 2F (LGMDR6). Also called: MUSCULAR DYSTROPHY, LIMB-GIRDLE, AUTOSOMAL RECESSIVE 6; Muscular dystrophy limb-girdle with delta-sarcoglyan deficiency. Identifiers: Orphanet 219, MedGen C1832525, MONDO:0011028, OMIM 601287. Disease mechanism: Affects gamma-sarcoglycan and also disrupts the integrity of the entire sarcoglycan complex..

Allele frequency attached by ClinVar (database versions not stated): 1000 Genomes Project 0.00479; 1000 Genomes Project 30x 0.00547; gnomAD 0.00715 and 0.00735; TOPMed 0.00728.

Submissions (4):

CeGaT Center for Human Genetics Tuebingen
Classification: Benign. Last evaluated: 2023-05-01. Review status: criteria provided, single submitter. Criteria: CeGaT Center For Human Genetics Tuebingen Variant Classification Criteria Version 2. Collection method: clinical testing. Allele origin: germline. Affected: yes. Observed: 6 variant alleles.
Comment: SGCD: BS1, BS2

Genome-Nilou Lab
Classification: Benign for Autosomal recessive limb-girdle muscular dystrophy type 2F. Last evaluated: 2023-02-08. Review status: criteria provided, single submitter. Criteria: ACMG Guidelines, 2015. Collection method: clinical testing. Allele origin: germline.

Genome-Nilou Lab
Classification: Benign for Dilated cardiomyopathy 1L. Last evaluated: 2023-02-08. Review status: criteria provided, single submitter. Criteria: ACMG Guidelines, 2015. Collection method: clinical testing. Allele origin: germline.

Illumina Laboratory Services, Illumina
Classification: Likely benign for Qualitative or quantitative defects of delta-sarcoglycan. Last evaluated: 2018-01-13. Review status: criteria provided, single submitter. Criteria: ICSL Variant Classification Criteria 13 December 2019. Collection method: clinical testing. Allele origin: germline.
Comment: This variant was observed in the ICSL laboratory as part of a predisposition screen in an ostensibly healthy population. It had not been previously curated by ICSL or reported in the Human Gene Mutation Database (HGMD: prior to June 1st, 2018), and was therefore a candidate for classification through an automated scoring system. Utilizing variant allele frequency, disease prevalence and penetrance estimates, and inheritance mode, an automated score was calculated to assess if this variant is too frequent to cause the disease. Based on the score and internal cut-off values, a variant classified as likely benign is not then subjected to further curation. The score for this variant resulted in a classification of likely benign for this disease.

NM_000337.6(SGCD):c.*822C>T

Gene: SGCD (sarcoglycan delta; plus strand). Cytogenetic location: 5q33.3.
Variant type: single nucleotide variant.
Coding change: c.*822C>T on transcript NM_000337.6 (MANE Select); 822 bases downstream of the stop codon, C replaced by T.
Molecular consequence: 3 prime UTR variant.
Genome position (GRCh38, 1-based): chr5:156,760,212, C>T. VCF-style: chr5-156760212-C-T. GRCh37 (hg19) VCF-style: chr5-156187223-C-T.
Other names: c.*822C>T (NM_001128209.2).
Identifiers: ClinVar variation 352348 (VCV000352348.36), dbSNP rs78615220, ClinGen allele CA10623849.